The following is an entry in ClinVar:

NM_032578.4(MYPN):c.2949G>A (p.Lys983=)

Gene: MYPN (myopalladin; plus strand). Cytogenetic location: 10q21.3.
Variant type: single nucleotide variant.
Coding change: c.2949G>A on transcript NM_032578.4 (MANE Select); coding-DNA position 2949, G replaced by A.
Protein change: p.Lys983=; no amino-acid change (lysine 983 retained).
Molecular consequence: synonymous variant. On other transcripts: non-coding transcript variant (2).
Genome position (GRCh38, 1-based): chr10:68,194,386, G>A. VCF-style: chr10-68194386-G-A. GRCh37 (hg19) VCF-style: chr10-69954143-G-A.
Other names: c.2949G>A (NM_032578.2); c.2949G>A, p.Lys983= (NM_001256267.2); c.2067G>A, p.Lys689= (NM_001256268.2).
Identifiers: ClinVar variation 387845 (VCV000387845.10), dbSNP rs375015526, ClinGen allele CA5522911.
Genomic context (GRCh38, chr10:68,194,386, plus strand): 5'-ACAAAACAGTGTACATCTTGATAATTTTTCATTTCAGGTTTACTGGTTCAAAGATGGGAA[G>A]CAGATTTCTAAGAGAAATGAGCACTGCAAAATGAGGCGAGAAGGAGATGGGACATGCTCT-3'
Protein context (NP_115967.2, residues 973-993): VPKVYWFKDG[Lys983=]QISKRNEHCK

ClinVar aggregate classification (germline): Likely benign. Review status: criteria provided, multiple submitters, no conflicts (2 of 4 stars). 3 submissions from 3 submitters: Likely benign (3). Last evaluated 2025-12-11.

Conditions:
Cardiovascular phenotype. Identifiers: MedGen CN230736.
Dilated cardiomyopathy 1KK (CMD1KK). Identifiers: Orphanet 154, Orphanet 75249, MedGen C3714995, MONDO:0014100, OMIM 615248.

Allele frequency attached by ClinVar (database versions not stated): gnomAD below 0.00001 and 0.00001; gnomAD exomes 0.00003 and 0.00006; ExAC 0.00006; ESP Exome Variant Server 0.00008.
gnomAD v4.1: 51 of 1,613,524 alleles (0.0032%); highest among the groups gnomAD compares: South Asian, 0.048%; 1 homozygote.

Submissions (3):

Labcorp Genetics (formerly Invitae), Labcorp
Classification: Likely benign for Dilated cardiomyopathy 1KK. Last evaluated: 2025-12-11. Review status: criteria provided, single submitter. Criteria: Invitae Variant Classification Sherloc (09022015). Collection method: clinical testing. Allele origin: germline.

Ambry Genetics
Classification: Likely benign for Cardiovascular phenotype. Last evaluated: 2025-04-24. Review status: criteria provided, single submitter. Criteria: Ambry Variant Classification Scheme 2023. Collection method: clinical testing. Allele origin: germline.

GeneDx
Classification: Likely benign. Last evaluated: 2016-07-14. Review status: criteria provided, single submitter. Criteria: GeneDx Variant Classification (06012015). Collection method: clinical testing. Allele origin: germline. Affected: yes.
Comment: This variant is considered likely benign or benign based on one or more of the following criteria: it is a conservative change, it occurs at a poorly conserved position in the protein, it is predicted to be benign by multiple in silico algorithms, and/or has population frequency not consistent with disease.